The following is an entry in ClinVar:

NM_005228.5(EGFR):c.1298+4A>G

Gene: EGFR (epidermal growth factor receptor; plus strand). Cytogenetic location: 7p11.2.
Variant type: single nucleotide variant.
Coding change: c.1298+4A>G on transcript NM_005228.5 (MANE Select); 4 bases into the intron after coding-DNA position 1298, A replaced by G.
Molecular consequence: intron variant.
Genome position (GRCh38, 1-based): chr7:55,157,757, A>G. VCF-style: chr7-55157757-A-G. GRCh37 (hg19) VCF-style: chr7-55225450-A-G.
Other names: c.1163+4A>G (NM_001346899.2, NM_001346897.2); c.497+4A>G (NM_001346941.2); c.1298+4A>G (NM_001346898.2, NM_201284.2, NM_201282.2); c.1139+4A>G (NM_001346900.2).
Identifiers: ClinVar variation 942004 (VCV000942004.8), dbSNP rs1022893708, ClinGen allele CA158915195.

ClinVar aggregate classification (germline): Uncertain significance. Review status: criteria provided, multiple submitters, no conflicts (2 of 4 stars). 2 submissions from 2 submitters: Uncertain significance (2). Last evaluated 2025-02-18.

Conditions:
Hereditary cancer-predisposing syndrome. Also called: Hereditary neoplastic syndrome; Neoplastic Syndromes, Hereditary; Tumor predisposition; Hereditary Cancer Syndrome. Identifiers: Orphanet 140162, MedGen C0027672, MeSH D009386, MONDO:0015356.
EGFR-related lung cancer (EGFR). Identifiers: MedGen CN130014.

Allele frequency attached by ClinVar (database versions not stated): gnomAD exomes below 0.00001 and 0.00001; TOPMed below 0.00001; gnomAD 0.00001.
gnomAD v4.1: 12 of 1,613,994 alleles (0.00074%); highest among the groups gnomAD compares: Non-Finnish European, 0.001%; no homozygotes.

Submissions (2):

Labcorp Genetics (formerly Invitae), Labcorp
Classification: Uncertain significance for EGFR-related lung cancer. Last evaluated: 2025-02-18. Review status: criteria provided, single submitter. Criteria: Invitae Variant Classification Sherloc (09022015). Collection method: clinical testing. Allele origin: germline.
Comment: This sequence change falls in intron 11 of the EGFR gene. It does not directly change the encoded amino acid sequence of the EGFR protein. It affects a nucleotide within the consensus splice site. This variant is present in population databases (no rsID available, gnomAD 0.0009%). This variant has not been reported in the literature in individuals affected with EGFR-related conditions. ClinVar contains an entry for this variant (Variation ID: 942004). Variants that disrupt the consensus splice site are a relatively common cause of aberrant splicing (PMID: 17576681, 9536098). Algorithms developed to predict the effect of sequence changes on RNA splicing suggest that this variant may disrupt the consensus splice site. In summary, the available evidence is currently insufficient to determine the role of this variant in disease. Therefore, it has been classified as a Variant of Uncertain Significance.

Ambry Genetics
Classification: Uncertain significance for Hereditary cancer-predisposing syndrome. Last evaluated: 2025-02-07. Review status: criteria provided, single submitter. Criteria: Ambry Variant Classification Scheme 2023. Collection method: clinical testing. Allele origin: germline.
Comment: The c.1298+4A>G intronic variant results from an A to G substitution 4 nucleotides after coding exon 11 in the EGFR gene. This nucleotide position is well conserved in available vertebrate species. In silico splice site analysis predicts that this alteration will weaken the native splice donor site. Based on the available evidence, the clinical significance of this variant remains unclear.

Literature cited by the submitters: PubMed 17576681 (cited by Labcorp Genetics (formerly Invitae), Labcorp); PubMed 9536098 (cited by Labcorp Genetics (formerly Invitae), Labcorp).